The following is an entry in ClinVar:

NM_003235.5(TG):c.7363C>T (p.Arg2455Cys)

Genes: SLA (Src like adaptor; minus strand), TG (thyroglobulin; plus strand). Cytogenetic location: 8q24.22.
Variant type: single nucleotide variant.
Coding change: c.7363C>T on transcript NM_003235.5 (MANE Select); coding-DNA position 7363, C replaced by T.
Protein change: p.Arg2455Cys; replaces arginine 2455 with cysteine.
Molecular consequence: missense variant. On other transcripts: intron variant (4).
Genome position (GRCh38, 1-based): chr8:133,095,167, C>T. VCF-style: chr8-133095167-C-T. GRCh37 (hg19) VCF-style: chr8-134107411-C-T.
Other names: c.-264+7386G>A (NM_001282965.2); c.11+7386G>A (NM_001282964.2, NM_001045557.3); c.-319+7386G>A (NM_001045556.3); short protein forms R2455C.
Identifiers: ClinVar variation 908349 (VCV000908349.9), dbSNP rs201444172, ClinGen allele CA4885612.

ClinVar aggregate classification (germline): Uncertain significance. Review status: criteria provided, multiple submitters, no conflicts (2 of 4 stars). 5 submissions from 5 submitters: Uncertain significance (5). Last evaluated 2025-09-05.

Conditions:
Autoimmune thyroid disease, susceptibility to, 3. Identifiers: MedGen C1842444, MONDO:0011982, OMIM 608175.
Iodotyrosyl coupling defect (TDH3). Also called: HYPOTHYROIDISM, CONGENITAL, DUE TO DYSHORMONOGENESIS, 3; THYROID HORMONOGENESIS, GENETIC DEFECT IN, 3. Identifiers: Orphanet 95716, MedGen C0342194, MONDO:0010135, OMIM 274700.

Allele frequency attached by ClinVar (database versions not stated): ExAC 0.00024; TOPMed 0.00029; ESP Exome Variant Server 0.00031; 1000 Genomes Project 30x 0.00047; 1000 Genomes Project 0.00060.
gnomAD v4.1: 426 of 1,614,184 alleles (0.026%); highest among the groups gnomAD compares: Admixed American, 0.11%; 2 homozygotes.

Submissions (5):

Women's Health and Genetics/Laboratory Corporation of America, LabCorp
Classification: Uncertain significance. Last evaluated: 2025-09-05. Review status: criteria provided, single submitter. Criteria: LabCorp Variant Classification Summary - May 2015. Collection method: clinical testing. Allele origin: germline.
Comment: Variant summary: TG c.7363C>T (p.Arg2455Cys) results in a non-conservative amino acid change in the encoded protein sequence. Algorithms developed to predict the effect of missense changes on protein structure and function all suggest that this variant is likely to be disruptive. The variant allele was found at a frequency of 0.00023 in 251416 control chromosomes. This frequency is not significantly higher than estimated for disease-causing variants in TG, allowing no conclusion about variant significance. To our knowledge, no occurrence of c.7363C>T in individuals affected with TG-related conditions and no experimental evidence demonstrating its impact on protein function have been reported. ClinVar contains an entry for this variant (Variation ID: 908349). Based on the evidence outlined above, the variant was classified as uncertain significance.

GeneDx
Classification: Uncertain significance. Last evaluated: 2023-01-18. Review status: criteria provided, single submitter. Criteria: GeneDx Variant Classification Process June 2021. Collection method: clinical testing. Allele origin: germline. Affected: yes.
Comment: In silico analysis supports that this missense variant has a deleterious effect on protein structure/function; Has not been previously published as pathogenic or benign to our knowledge

Revvity Omics, Revvity
Classification: Uncertain significance for Iodotyrosyl coupling defect. Last evaluated: 2022-08-01. Review status: criteria provided, single submitter. Criteria: ACMG Guidelines, 2015. Collection method: clinical testing. Allele origin: germline.

Fulgent Genetics
Classification: Uncertain significance for Iodotyrosyl coupling defect; Autoimmune thyroid disease, susceptibility to, 3. Last evaluated: 2021-10-07. Review status: criteria provided, single submitter. Criteria: ACMG Guidelines, 2015. Collection method: clinical testing. Allele origin: unknown.

Illumina Laboratory Services, Illumina
Classification: Uncertain significance for Iodotyrosyl coupling defect. Last evaluated: 2018-01-13. Review status: criteria provided, single submitter. Criteria: ICSL Variant Classification Criteria 13 December 2019. Collection method: clinical testing. Allele origin: germline.